The following is an entry in ClinVar:

NM_000130.5(F5):c.4317_4318del (p.Pro1440fs)

Gene: F5 (coagulation factor V; minus strand). Cytogenetic location: 1q24.2.
Variant type: Microsatellite.
Coding change: c.4317_4318del on transcript NM_000130.5 (MANE Select); coding-DNA positions 4317 to 4318, 2 bases deleted (TC; older notation c.4317_4318delTC).
Protein change: p.Pro1440fs; shifts the reading frame from proline 1440.
Molecular consequence: frameshift variant.
Genome position (GRCh38, 1-based): chr1:169,540,772-169,540,773, GA deleted on the plus strand (TC on the coding strand, the reverse complement: F5 is on the minus strand); deleting any 2 consecutive bases within chr1:169,540,772-169,540,780 gives the same sequence; the c. name uses the placement nearest the transcript's 3' end. VCF-style (leftmost placement, unchanged base first): chr1-169540771-GGA-G. GRCh37 (hg19) VCF-style: chr1-169510009-GGA-G.
Other names: short protein forms P1440fs.
Identifiers: ClinVar variation 2746047 (VCV002746047.3), dbSNP rs1659815819, ClinGen allele CA1206139935.

ClinVar aggregate classification (germline): Pathogenic (1 of 4 stars; one submission).

Conditions:
Congenital factor V deficiency. Also called: OWREN PARAHEMOPHILIA; PARAHEMOPHILIA; Hereditary factor V deficiency disease; LABILE FACTOR DEFICIENCY. Identifiers: Orphanet 326, MedGen C0015499, MONDO:0009210, OMIM 227400.

Submission:

Labcorp Genetics (formerly Invitae), Labcorp
Classification: Pathogenic for Congenital factor V deficiency. Last evaluated: 2023-06-09. Review status: criteria provided, single submitter. Criteria: Invitae Variant Classification Sherloc (09022015). Collection method: clinical testing. Allele origin: germline.
Comment: For these reasons, this variant has been classified as Pathogenic. This variant has not been reported in the literature in individuals affected with F5-related conditions. This variant is not present in population databases (gnomAD no frequency). This sequence change creates a premature translational stop signal (p.Pro1440Argfs*4) in the F5 gene. It is expected to result in an absent or disrupted protein product. Loss-of-function variants in F5 are known to be pathogenic (PMID: 30924984).

Literature cited by the submitters: PubMed 30924984.